The following is an entry in ClinVar:

NM_080680.3(COL11A2):c.2698G>C (p.Asp900His)

Gene: COL11A2 (collagen type XI alpha 2 chain; minus strand). Cytogenetic location: 6p21.32.
Variant type: single nucleotide variant.
Coding change: c.2698G>C on transcript NM_080680.3 (MANE Select); coding-DNA position 2698, G replaced by C.
Protein change: p.Asp900His; replaces aspartic acid 900 with histidine.
Molecular consequence: missense variant.
Genome position (GRCh38, 1-based): chr6:33,173,386, C>G on the plus strand (G>C on the coding strand, the complement: COL11A2 is on the minus strand). VCF-style: chr6-33173386-C-G. GRCh37 (hg19) VCF-style: chr6-33141163-C-G.
Other names: c.2377G>C, p.Asp793His (NM_080679.3); c.2440G>C, p.Asp814His (NM_080681.3); short protein forms D793H, D814H, D900H.
Identifiers: ClinVar variation 1716141 (VCV001716141.6), dbSNP rs2534931132, ClinGen allele CA363641059.

ClinVar aggregate classification (germline): Uncertain significance (1 of 4 stars; one submission).

Submission:

Labcorp Genetics (formerly Invitae), Labcorp
Classification: Uncertain significance. Last evaluated: 2022-07-16. Review status: criteria provided, single submitter. Criteria: Invitae Variant Classification Sherloc (09022015). Collection method: clinical testing. Allele origin: germline.
Comment: This sequence change replaces aspartic acid, which is acidic and polar, with histidine, which is basic and polar, at codon 900 of the COL11A2 protein (p.Asp900His). This variant is not present in population databases (gnomAD no frequency). This variant has not been reported in the literature in individuals affected with COL11A2-related conditions. Advanced modeling of protein sequence and biophysical properties (such as structural, functional, and spatial information, amino acid conservation, physicochemical variation, residue mobility, and thermodynamic stability) performed at Invitae indicates that this missense variant is not expected to disrupt COL11A2 protein function. In summary, the available evidence is currently insufficient to determine the role of this variant in disease. Therefore, it has been classified as a Variant of Uncertain Significance.